The following is an entry in ClinVar:

ClinVar aggregate classification (germline): Conflicting classifications of pathogenicity. Review status: criteria provided, conflicting classifications (1 of 4 stars). 4 submissions from 4 submitters: Uncertain significance (3); Likely benign (1). Last evaluated 2024-08-08.

Conditions:
Hereditary cancer-predisposing syndrome. Also called: Neoplastic Syndromes, Hereditary; Hereditary Cancer Syndrome; Tumor predisposition; Hereditary neoplastic syndrome. Identifiers: Orphanet 140162, MedGen C0027672, MeSH D009386, MONDO:0015356.
Fanconi anemia complementation group O. Also called: RAD51C-Related Fanconi Anemia. Identifiers: Orphanet 84, MedGen C3150653, MONDO:0013248, OMIM 613390.

Submissions (4):

Ambry Genetics
Classification: Likely benign for Hereditary cancer-predisposing syndrome. Last evaluated: 2024-08-08. Review status: criteria provided, single submitter. Criteria: Ambry Variant Classification Scheme 2023. Collection method: clinical testing. Allele origin: germline.

Labcorp Genetics (formerly Invitae), Labcorp
Classification: Uncertain significance for Fanconi anemia complementation group O. Last evaluated: 2023-04-08. Review status: criteria provided, single submitter. Criteria: Invitae Variant Classification Sherloc (09022015). Collection method: clinical testing. Allele origin: germline.
Comment: In summary, the available evidence is currently insufficient to determine the role of this variant in disease. Therefore, it has been classified as a Variant of Uncertain Significance. Advanced modeling of protein sequence and biophysical properties (such as structural, functional, and spatial information, amino acid conservation, physicochemical variation, residue mobility, and thermodynamic stability) performed at Invitae indicates that this missense variant is not expected to disrupt RAD51C protein function. ClinVar contains an entry for this variant (Variation ID: 1303346). This variant has not been reported in the literature in individuals affected with RAD51C-related conditions. This variant is not present in population databases (gnomAD no frequency). This sequence change replaces valine, which is neutral and non-polar, with leucine, which is neutral and non-polar, at codon 25 of the RAD51C protein (p.Val25Leu).

Color Diagnostics, LLC DBA Color Health
Classification: Uncertain significance for Hereditary cancer-predisposing syndrome. Last evaluated: 2022-03-02. Review status: criteria provided, single submitter. Criteria: ACMG Guidelines, 2015. Collection method: clinical testing. Allele origin: germline.
Comment: This missense variant replaces valine with leucine at codon 25 of the RAD51C protein. Computational prediction suggests that this variant may not impact protein structure and function (internally defined REVEL score threshold <= 0.5, PMID: 27666373). To our knowledge, functional studies have not been reported for this variant. This variant has not been reported in individuals affected with hereditary cancer in the literature. This variant has not been identified in the general population by the Genome Aggregation Database (gnomAD). The available evidence is insufficient to determine the role of this variant in disease conclusively. Therefore, this variant is classified as a Variant of Uncertain Significance.

GeneDx
Classification: Uncertain significance. Last evaluated: 2019-05-21. Review status: criteria provided, single submitter. Criteria: GeneDx Variant Classification Process June 2021. Collection method: clinical testing. Allele origin: germline. Affected: yes.
Comment: Not observed in large population cohorts (Lek et al., 2016); In silico analysis, which includes protein predictors and evolutionary conservation, supports that this variant does not alter protein structure/function

NM_058216.3(RAD51C):c.73G>C (p.Val25Leu)

Gene: RAD51C (RAD51 paralog C; plus strand). Cytogenetic location: 17q22.
Variant type: single nucleotide variant.
Coding change: c.73G>C on transcript NM_058216.3 (MANE Select); coding-DNA position 73, G replaced by C.
Protein change: p.Val25Leu; replaces valine 25 with leucine.
Molecular consequence: missense variant. On other transcripts: non-coding transcript variant (1).
Genome position (GRCh38, 1-based): chr17:58,692,716, G>C. VCF-style: chr17-58692716-G-C. GRCh37 (hg19) VCF-style: chr17-56770077-G-C.
Other names: c.73G>C, p.Val25Leu (NM_002876.4); short protein forms V25L.
Identifiers: ClinVar variation 1303346 (VCV001303346.7), dbSNP rs757116652, ClinGen allele CA400336961.
Genomic context (GRCh38, chr17:58,692,716, plus strand): 5'-ACGTTCCGCTTTGAAATGCAGCGGGATTTGGTGAGTTTCCCGCTGTCTCCAGCGGTGCGG[G>C]TGAAGCTGGTGTCTGCGGGGTTCCAGACTGCTGAGGAACTCCTAGAGGTGAAACCCTCCG-3'
Protein context (NP_478123.1, residues 15-35): VSFPLSPAVR[Val25Leu]KLVSAGFQTA